The following is an entry in ClinVar:

NM_013266.4(CTNNA3):c.1933G>C (p.Val645Leu)

Genes: CTNNA3 (catenin alpha 3; minus strand), CTNNA3-AS1 (CTNNA3 antisense RNA 1; plus strand). Cytogenetic location: 10q21.3.
Variant type: single nucleotide variant.
Coding change: c.1933G>C on transcript NM_013266.4 (MANE Select); coding-DNA position 1933, G replaced by C.
Protein change: p.Val645Leu; replaces valine 645 with leucine.
Molecular consequence: missense variant.
Genome position (GRCh38, 1-based): chr10:66,103,201, C>G on the plus strand (G>C on the coding strand, the complement: CTNNA3 is on the minus strand). VCF-style: chr10-66103201-C-G. GRCh37 (hg19) VCF-style: chr10-67862959-C-G.
Other names: c.1933G>C, p.Val645Leu (NM_001127384.3); c.1933G>C (NM_013266.2); short protein forms V645L.
Identifiers: ClinVar variation 1055206 (VCV001055206.11), dbSNP rs370600208, ClinGen allele CA5519756.
Genomic context (GRCh38, chr10:66,103,201, plus strand): 5'-AGTTGAAGTGACATACCCTATCAGTTTTCCCTTCGGTCTGAATGCTGGTGTGACTGCGGA[C>G]CTCGTGTTCCTCTTCAAGGTCAGAAACATCCTCCAGTTCCTCTGGGGTCTATAAAAAGAA-3'
Protein context (NP_037398.2, residues 635-655): DVSDLEEEHE[Val645Leu]RSHTSIQTEG

ClinVar aggregate classification (germline): Uncertain significance. Review status: criteria provided, multiple submitters, no conflicts (2 of 4 stars). 3 submissions from 3 submitters: Uncertain significance (3). Last evaluated 2025-03-23.

Conditions:
Arrhythmogenic right ventricular dysplasia 13. Also called: ARRHYTHMOGENIC RIGHT VENTRICULAR CARDIOMYOPATHY 13; Arrhythmogenic right ventricular dysplasia, familial, 13. Identifiers: MedGen C3810138, MONDO:0000908, OMIM 615616.

Allele frequency attached by ClinVar (database versions not stated): gnomAD exomes below 0.00001; ExAC 0.00001.
gnomAD v4.1: 9 of 1,613,998 alleles (0.00056%); highest among the groups gnomAD compares: African/African-American, 0.0013%; no homozygotes.

Submissions (3):

Labcorp Genetics (formerly Invitae), Labcorp
Classification: Uncertain significance for Arrhythmogenic right ventricular dysplasia 13. Last evaluated: 2025-03-23. Review status: criteria provided, single submitter. Criteria: Invitae Variant Classification Sherloc (09022015). Collection method: clinical testing. Allele origin: germline.
Comment: This sequence change replaces valine, which is neutral and non-polar, with leucine, which is neutral and non-polar, at codon 645 of the CTNNA3 protein (p.Val645Leu). This variant is not present in population databases (gnomAD no frequency). This variant has not been reported in the literature in individuals affected with CTNNA3-related conditions. ClinVar contains an entry for this variant (Variation ID: 1055206). Invitae Evidence Modeling of protein sequence and biophysical properties (such as structural, functional, and spatial information, amino acid conservation, physicochemical variation, residue mobility, and thermodynamic stability) indicates that this missense variant is not expected to disrupt CTNNA3 protein function with a negative predictive value of 80%. In summary, the available evidence is currently insufficient to determine the role of this variant in disease. Therefore, it has been classified as a Variant of Uncertain Significance.

Ambry Genetics
Classification: Uncertain significance. Last evaluated: 2025-02-09. Review status: criteria provided, single submitter. Criteria: Ambry Variant Classification Scheme 2023. Collection method: clinical testing. Allele origin: germline.
Comment: The p.V645L variant (also known as c.1933G>C), located in coding exon 13 of the CTNNA3 gene, results from a G to C substitution at nucleotide position 1933. The valine at codon 645 is replaced by leucine, an amino acid with highly similar properties. This amino acid position is conserved. In addition, this alteration is predicted to be tolerated by in silico analysis. Based on the available evidence, the clinical significance of this variant remains unclear.

Blueprint Genetics
Classification: Uncertain significance. Last evaluated: 2024-02-05. Review status: criteria provided, single submitter. Criteria: ACMG Guidelines, 2015. Collection method: clinical testing. Allele origin: germline.